The following is an entry in ClinVar:

NM_001845.6(COL4A1):c.3637G>T (p.Gly1213Cys)

Gene: COL4A1 (collagen type IV alpha 1 chain; minus strand). Cytogenetic location: 13q34.
Variant type: single nucleotide variant.
Coding change: c.3637G>T on transcript NM_001845.6 (MANE Select); coding-DNA position 3637, G replaced by T.
Protein change: p.Gly1213Cys; replaces glycine 1213 with cysteine.
Molecular consequence: missense variant.
Genome position (GRCh38, 1-based): chr13:110,170,652, C>A on the plus strand (G>T on the coding strand, the complement: COL4A1 is on the minus strand). VCF-style: chr13-110170652-C-A. GRCh37 (hg19) VCF-style: chr13-110822999-C-A.
Other names: short protein forms G1213C.
Identifiers: ClinVar variation 4849963 (VCV004849963.1).

ClinVar aggregate classification (germline): Likely pathogenic (1 of 4 stars; one submission).

Conditions:
Autosomal dominant COL4A1-related disorders.

Submission:

Variantyx, Inc.
Classification: Likely pathogenic for Autosomal dominant COL4A1-related disorders. Last evaluated: 2025-06-10. Review status: criteria provided, single submitter. Criteria: Variantyx Assertion Criteria 2022. Collection method: clinical testing. Allele origin: de novo. Inheritance: Autosomal dominant inheritance. Affected: yes.
Comment: This is a nonsynonymous variant in the COL4A1 gene (OMIM: 120130). Pathogenic variants in this gene have been associated with autosomal dominant COL4A1-related disorders. The alteration replaces a glycine residue in the repetitive Gly-X-Y sequence of the triple helical domain, which disrupts the structure of fibrillar collagen and is a common disease mechanism in collagenopathies (PMID: 25719457) (PM1_Strong). Multiple computational algorithms predict a deleterious effect for this variant (REVEL score: 0.984) (PP3). This variant is absent from control populations (PM2) and it has not been reported in individuals with COL4A1-related disorders in the databases available for review. Based on the current evidence, this variant is classified as likely pathogenic for autosomal dominant COL4A1-related disorders.

Literature cited by the submitters: PubMed 25719457.